The following is an entry in ClinVar:

NM_005120.3(MED12):c.184G>A (p.Val62Ile)

Gene: MED12 (mediator complex subunit 12; plus strand). Cytogenetic location: Xq13.1.
Variant type: single nucleotide variant.
Coding change: c.184G>A on transcript NM_005120.3 (MANE Select); coding-DNA position 184, G replaced by A.
Protein change: p.Val62Ile; replaces valine 62 with isoleucine.
Molecular consequence: missense variant.
Genome position (GRCh38, 1-based): chrX:71,119,457, G>A. VCF-style: chrX-71119457-G-A. GRCh37 (hg19) VCF-style: chrX-70339307-G-A.
Other names: short protein forms V62I.
Identifiers: ClinVar variation 519902 (VCV000519902.15), dbSNP rs1039763693, ClinGen allele CA330974742.

ClinVar aggregate classification (germline): Uncertain significance. Review status: criteria provided, multiple submitters, no conflicts (2 of 4 stars). 4 submissions from 4 submitters: Uncertain significance (4). Last evaluated 2026-08-13.

Conditions:
Cholestasis-pigmentary retinopathy-cleft palate syndrome (HDKR). Also called: Hardikar Syndrome (HS). Identifiers: Orphanet 1415, MedGen C0795969, MeSH C535632, MONDO:0012997, OMIM 301068.
FG syndrome (FGS). Identifiers: MedGen C0220769, MONDO:0002010.
Neurodevelopmental disorder. Identifiers: MedGen C1535926, MeSH D065886, MONDO:0700092.
Syndromic intellectual disability. Also called: Intellectual disability syndrome. Identifiers: Orphanet 183763, MedGen C5680525, MONDO:0000508.
X-linked intellectual disability with marfanoid habitus. Also called: INTELLECTUAL DEVELOPMENTAL DISORDER, X-LINKED, SYNDROMIC, LUJAN-FRYNS TYPE; Lujan Syndrome; X-linked mental retardation with marfanoid habitus syndrome; Lujan Syndrome (LS). Identifiers: Orphanet 776, MedGen C0796022, MONDO:0010655, OMIM 309520.
Blepharophimosis - intellectual disability syndrome, MKB type. Also called: Ohdo syndrome, X-linked; BLEPHAROPHIMOSIS-MENTAL RETARDATION SYNDROME, MAAT-KIEVIT-BRUNNER TYPE; X-Linked Ohdo Syndrome (XLOS). Identifiers: Orphanet 293707, MedGen C3698541, MONDO:0010477, OMIM 300895.
Familial thoracic aortic aneurysm and aortic dissection (TAAD). Also called: Thoracic aortic aneurysms and dissections. Identifiers: Orphanet 91387, MedGen C4707243, MONDO:0019625.

Allele frequency attached by ClinVar (database versions not stated): gnomAD exomes below 0.00001; TOPMed 0.00004.
gnomAD v4.1: 5 of 1,195,866 alleles (0.00042%); highest among the groups gnomAD compares: Admixed American, 0.0022%; no homozygotes.

Submissions (4):

Ambry Genetics
Classification: Uncertain significance for Familial thoracic aortic aneurysm and aortic dissection. Last evaluated: 2026-08-13. Review status: criteria provided, single submitter. Criteria: Ambry Variant Classification Scheme 2023. Collection method: clinical testing. Allele origin: germline.
Comment: The c.184G>A (p.V62I) alteration is located in exon 2 (coding exon 2) of the MED12 gene. This alteration results from a G to A substitution at nucleotide position 184, causing the valine (V) at amino acid position 62 to be replaced by an isoleucine (I). Based on data from gnomAD, the A allele has an overall frequency of <0.001% (0/156166) total alleles studied. The highest observed frequency was <0.001% (/) of alleles. Based on insufficient or conflicting evidence, the clinical significance of this alteration remains unclear.

Labcorp Genetics (formerly Invitae), Labcorp
Classification: Uncertain significance for FG syndrome. Last evaluated: 2026-01-13. Review status: criteria provided, single submitter. Criteria: Invitae Variant Classification Sherloc (09022015). Collection method: clinical testing. Allele origin: germline.
Comment: This sequence change replaces valine, which is neutral and non-polar, with isoleucine, which is neutral and non-polar, at codon 62 of the MED12 protein (p.Val62Ile). This variant is not present in population databases (gnomAD no frequency). This variant has not been reported in the literature in individuals affected with MED12-related conditions. ClinVar contains an entry for this variant (Variation ID: 519902). Invitae Evidence Modeling of protein sequence and biophysical properties (such as structural, functional, and spatial information, amino acid conservation, physicochemical variation, residue mobility, and thermodynamic stability) indicates that this missense variant is not expected to disrupt MED12 protein function with a negative predictive value of 95%. In summary, the available evidence is currently insufficient to determine the role of this variant in disease. Therefore, it has been classified as a Variant of Uncertain Significance.

Dasa
Classification: Uncertain significance. Last evaluated: 2024-11-29. Review status: criteria provided, single submitter. Criteria: DASA Assertion Criteria. Collection method: clinical testing. Allele origin: germline.
Comment: NM_005120.3(MED12):c.184G>A (p.Val62Ile) is a missense variant that results in the substitution of valine with isoleucine. This variant is rare in population databases. Computational prediction algorithms are consistent with a benign effect. The currently available literature and clinical evidence are not sufficient to establish a definitive association between this variant and the reported condition. Therefore, this variant is classified as a variant of uncertain significance.

Laboratorio de Genetica e Diagnostico Molecular, Hospital Israelita Albert Einstein
Classification: Uncertain significance for Cholestasis-pigmentary retinopathy-cleft palate syndrome. Last evaluated: 2022-09-02. Review status: criteria provided, single submitter. Criteria: ACMG Guidelines, 2015. Collection method: clinical testing. Allele origin: germline. Affected: yes. Observed: 1 variant allele.
Comment: ACMG classification criteria: PM2 moderated, PP2 supporting, BP4 supporting